The following is an entry in ClinVar:

NM_000384.3(APOB):c.676G>A (p.Ala226Thr)

Gene: APOB (apolipoprotein B; minus strand). Cytogenetic location: 2p24.1.
Variant type: single nucleotide variant.
Coding change: c.676G>A on transcript NM_000384.3 (MANE Select); coding-DNA position 676, G replaced by A.
Protein change: p.Ala226Thr; replaces alanine 226 with threonine.
Molecular consequence: missense variant.
Genome position (GRCh38, 1-based): chr2:21,037,117, C>T on the plus strand (G>A on the coding strand, the complement: APOB is on the minus strand). VCF-style: chr2-21037117-C-T. GRCh37 (hg19) VCF-style: chr2-21259989-C-T.
Other names: short protein forms A226T.
Identifiers: ClinVar variation 630867 (VCV000630867.9), dbSNP rs1163833540, ClinGen allele CA345961540.

ClinVar aggregate classification (germline): Conflicting classifications of pathogenicity. Review status: criteria provided, conflicting classifications (1 of 4 stars). 3 submissions from 3 submitters: Uncertain significance (2); Likely benign (1). Last evaluated 2025-03-23.

Conditions:
Cardiovascular phenotype. Identifiers: MedGen CN230736.
Hypercholesterolemia, autosomal dominant, type B (FHCL2). Also called: APOB-Related Familial Hypercholesterolemia, Autosomal Dominant; Hyperlipoproteinemia Type IIb; Familial Hypercholesterolemia Type B; APOLIPOPROTEIN B-100, FAMILIAL DEFECTIVE; APOLIPOPROTEIN B-100, FAMILIAL LIGAND-DEFECTIVE; Familial hypercholesterolemia 2. Identifiers: MedGen C1704417, MONDO:0007751, OMIM 144010.
Familial hypobetalipoproteinemia 1. Also called: APOB-Related Familial Hypobetalipoproteinemia; Hypobetalipoproteinemia, normotriglyceridemic; Acanthocytosis with hypobetalipoproteinemia. Identifiers: MedGen C4551990, MONDO:0014252, OMIM 615558.

Allele frequency attached by ClinVar (database versions not stated): gnomAD 0.00001; gnomAD exomes 0.00001; TOPMed 0.00002.

Submissions (3):

Ambry Genetics
Classification: Uncertain significance for Cardiovascular phenotype. Last evaluated: 2025-03-23. Review status: criteria provided, single submitter. Criteria: Ambry Variant Classification Scheme 2023. Collection method: clinical testing. Allele origin: germline.
Comment: The p.A226T variant (also known as c.676G>A), located in coding exon 6 of the APOB gene, results from a G to A substitution at nucleotide position 676. The alanine at codon 226 is replaced by threonine, an amino acid with similar properties. This amino acid position is conserved. In addition, the in silico prediction for this alteration is inconclusive. Based on the available evidence, the clinical significance of this variant remains unclear.

Labcorp Genetics (formerly Invitae), Labcorp
Classification: Likely benign for Familial hypobetalipoproteinemia 1; Hypercholesterolemia, autosomal dominant, type B. Last evaluated: 2023-04-28. Review status: criteria provided, single submitter. Criteria: Invitae Variant Classification Sherloc (09022015). Collection method: clinical testing. Allele origin: germline.

GeneDx
Classification: Uncertain significance. Last evaluated: 2019-10-03. Review status: criteria provided, single submitter. Criteria: GeneDx Variant Classification Process June 2021. Collection method: clinical testing. Allele origin: germline. Affected: yes.
Comment: Has not been previously published as pathogenic or benign to our knowledge; Not observed at a significant frequency in large population cohorts (Lek et al., 2016); In silico analysis, which includes protein predictors and evolutionary conservation, supports a deleterious effect; Reported in ClinVar as a variant of uncertain significance (ClinVar Variant ID# 630867; Landrum et al., 2016)